The following is an entry in ClinVar:

NM_003970.4(MYOM2):c.4211C>T (p.Thr1404Ile)

Gene: MYOM2 (myomesin 2; plus strand). Cytogenetic location: 8p23.3.
Variant type: single nucleotide variant.
Coding change: c.4211C>T on transcript NM_003970.4 (MANE Select); coding-DNA position 4211, C replaced by T.
Protein change: p.Thr1404Ile; replaces threonine 1404 with isoleucine.
Molecular consequence: missense variant.
Genome position (GRCh38, 1-based): chr8:2,144,794, C>T. VCF-style: chr8-2144794-C-T. GRCh37 (hg19) VCF-style: chr8-2092718-C-T.
Other names: short protein forms T1404I.
Identifiers: ClinVar variation 3037181 (VCV003037181.17), dbSNP rs147501499, ClinGen allele CA170467272.

ClinVar aggregate classification (germline): Likely benign. Review status: criteria provided, single submitter (1 of 4 stars). 2 submissions from 2 submitters: Likely benign (1). 1 of the submissions does not count toward it. Last evaluated 2024-02-01.

Conditions:
MYOM2-related disorder. Also called: MYOM2-related condition.

Allele frequency attached by ClinVar (database versions not stated): ESP Exome Variant Server 0.00077; TOPMed 0.00100; gnomAD 0.00104; gnomAD exomes 0.00112; ExAC 0.00219; 1000 Genomes Project 30x 0.00281; 1000 Genomes Project 0.00300.
gnomAD v4.1: 1,849 of 1,614,170 alleles (0.11%); highest among the groups gnomAD compares: Middle Eastern, 0.76%; 8 homozygotes.

Submissions (2):

CeGaT Center for Human Genetics Tuebingen
Classification: Likely benign. Last evaluated: 2024-02-01. Review status: criteria provided, single submitter. Criteria: CeGaT Center For Human Genetics Tuebingen Variant Classification Criteria Version 2. Collection method: clinical testing. Allele origin: germline. Affected: yes. Observed: 1 variant allele.
Comment: MYOM2: BS2

PreventionGenetics, part of Exact Sciences
Classification: Benign for MYOM2-related condition. Last evaluated: 2019-05-17. Review status: no assertion criteria provided. Collection method: clinical testing. Allele origin: germline. Not counted in ClinVar's aggregate classification.
Comment: This variant is classified as benign based on ACMG/AMP sequence variant interpretation guidelines (Richards et al. 2015 PMID: 25741868, with internal and published modifications).